The following is an entry in ClinVar:

NM_000553.6(WRN):c.121G>A (p.Glu41Lys)

Gene: WRN (WRN RecQ like helicase; plus strand). Cytogenetic location: 8p12.
Variant type: single nucleotide variant.
Coding change: c.121G>A on transcript NM_000553.6 (MANE Select); coding-DNA position 121, G replaced by A.
Protein change: p.Glu41Lys; replaces glutamic acid 41 with lysine.
Molecular consequence: missense variant.
Genome position (GRCh38, 1-based): chr8:31,059,177, G>A. VCF-style: chr8-31059177-G-A. GRCh37 (hg19) VCF-style: chr8-30916693-G-A.
Other names: short protein forms E41K.
Identifiers: ClinVar variation 1361840 (VCV001361840.5), dbSNP rs1812387849, ClinGen allele CA370912389.

ClinVar aggregate classification (germline): Uncertain significance (1 of 4 stars; one submission).

Conditions:
Werner syndrome (WRN). Identifiers: Orphanet 902, MedGen C0043119, MONDO:0010196, OMIM 277700.

Allele frequency attached by ClinVar (database versions not stated): gnomAD exomes below 0.00001; TOPMed below 0.00001; gnomAD 0.00001.

Submission:

Labcorp Genetics (formerly Invitae), Labcorp
Classification: Uncertain significance for Werner syndrome. Last evaluated: 2022-08-22. Review status: criteria provided, single submitter. Criteria: Invitae Variant Classification Sherloc (09022015). Collection method: clinical testing. Allele origin: germline.
Comment: This sequence change replaces glutamic acid, which is acidic and polar, with lysine, which is basic and polar, at codon 41 of the WRN protein (p.Glu41Lys). This variant is not present in population databases (gnomAD no frequency). This variant has not been reported in the literature in individuals affected with WRN-related conditions. ClinVar contains an entry for this variant (Variation ID: 1361840). Algorithms developed to predict the effect of missense changes on protein structure and function are either unavailable or do not agree on the potential impact of this missense change (SIFT: "Not Available"; PolyPhen-2: "Benign"; Align-GVGD: "Not Available"). Algorithms developed to predict the effect of sequence changes on RNA splicing suggest that this variant may create or strengthen a splice site. In summary, the available evidence is currently insufficient to determine the role of this variant in disease. Therefore, it has been classified as a Variant of Uncertain Significance.